The following is an entry in ClinVar:

NM_001267550.2(TTN):c.97190T>G (p.Leu32397Arg)

Genes: TTN (titin; minus strand), TTN-AS1 (TTN antisense RNA 1; plus strand), LOC129935186 (ATAC-STARR-seq lymphoblastoid active region 16811; plus strand). Cytogenetic location: 2q31.2.
Variant type: single nucleotide variant.
Coding change: c.97190T>G on transcript NM_001267550.2 (MANE Select); coding-DNA position 97190, T replaced by G.
Protein change: p.Leu32397Arg; replaces leucine 32397 with arginine.
Molecular consequence: missense variant.
Genome position (GRCh38, 1-based): chr2:178,542,664, A>C on the plus strand (T>G on the coding strand, the complement: TTN is on the minus strand). VCF-style: chr2-178542664-A-C. GRCh37 (hg19) VCF-style: chr2-179407391-A-C.
Other names: c.92267T>G, p.Leu30756Arg (NM_001256850.1); c.69995T>G, p.Leu23332Arg (NM_003319.4); c.89486T>G, p.Leu29829Arg (NM_133378.4); c.70370T>G, p.Leu23457Arg (NM_133432.3); c.70571T>G, p.Leu23524Arg (NM_133437.4); short protein forms L23332R, L23457R, L23524R, L29829R, L30756R, L32397R.
Identifiers: ClinVar variation 2437670 (VCV002437670.4), dbSNP rs940758255, ClinGen allele CA349441941.

ClinVar aggregate classification (germline): Uncertain significance. Review status: criteria provided, multiple submitters, no conflicts (2 of 4 stars). 2 submissions from 2 submitters: Uncertain significance (2). Last evaluated 2026-07-10.

Conditions:
TTN-related disorder. Also called: TTN-related condition; TTN-related disease; TTN-related disorders.

Submissions (2):

PreventionGenetics, part of Exact Sciences
Classification: Uncertain significance for TTN-related condition. Last evaluated: 2026-07-10. Review status: criteria provided, single submitter. Criteria: ACMG Guidelines, 2015. Collection method: clinical testing. Allele origin: germline.
Comment: The TTN c.97190T>G variant is predicted to result in the amino acid substitution p.Leu32397Arg. To our knowledge, this variant has not been reported in the literature or in a large population database (gnomAD), indicating this variant is rare. At this time, the clinical significance of this variant is uncertain due to the absence of conclusive functional and genetic evidence.

Revvity Omics, Revvity
Classification: Uncertain significance. Last evaluated: 2020-02-12. Review status: criteria provided, single submitter. Criteria: ACMG Guidelines, 2015. Collection method: clinical testing. Allele origin: germline.